The following is an entry in ClinVar:

ClinVar aggregate classification (germline): Benign/Likely benign. Review status: criteria provided, multiple submitters, no conflicts (2 of 4 stars). 5 submissions from 5 submitters: Benign (2); Likely benign (3). Last evaluated 2025-12-22.

Allele frequency attached by ClinVar (database versions not stated): TOPMed 0.00184; 1000 Genomes Project 0.00240; 1000 Genomes Project 30x 0.00250; gnomAD exomes 0.00016 and 0.00042; ExAC 0.00051; ESP Exome Variant Server 0.00063; gnomAD 0.00150 and 0.00158.

Submissions (5):

Labcorp Genetics (formerly Invitae), Labcorp
Classification: Benign. Last evaluated: 2025-12-22. Review status: criteria provided, single submitter. Criteria: Invitae Variant Classification Sherloc (09022015). Collection method: clinical testing. Allele origin: germline.

CeGaT Center for Human Genetics Tuebingen
Classification: Likely benign. Last evaluated: 2025-12-01. Review status: criteria provided, single submitter. Criteria: CeGaT Center For Human Genetics Tuebingen Variant Classification Criteria Version 2. Collection method: clinical testing. Allele origin: germline. Affected: yes. Observed: 2 variant alleles.
Comment: FLI1: BP4, BP7

Mayo Clinic Laboratories, Mayo Clinic
Classification: Likely benign. Last evaluated: 2024-06-12. Review status: criteria provided, single submitter. Criteria: ACMG Guidelines, 2015. Collection method: clinical testing. Allele origin: germline. Observed: 3 variant alleles.
Comment: BP4, BP7

Blueprint Genetics
Classification: Likely benign. Last evaluated: 2024-01-23. Review status: criteria provided, single submitter. Criteria: ACMG Guidelines, 2015. Collection method: clinical testing. Allele origin: germline.

Breakthrough Genomics
Classification: Benign. Review status: criteria provided, single submitter. Criteria: ACMG Guidelines, 2015. Collection method: not provided. Allele origin: germline. Inheritance: Autosomal dominant inheritance. Affected: yes.

NM_002017.5(FLI1):c.195C>T (p.Asn65=)

Gene: FLI1 (Fli-1 proto-oncogene, ETS transcription factor; plus strand). Cytogenetic location: 11q24.3.
Variant type: single nucleotide variant.
Coding change: c.195C>T on transcript NM_002017.5 (MANE Select); coding-DNA position 195, C replaced by T.
Protein change: p.Asn65=; no amino-acid change (asparagine 65 retained).
Molecular consequence: synonymous variant. On other transcripts: 5 prime UTR variant (2).
Genome position (GRCh38, 1-based): chr11:128,758,291, C>T. VCF-style: chr11-128758291-C-T. GRCh37 (hg19) VCF-style: chr11-128628186-C-T.
Other names: p.Asn65=; c.96C>T, p.Asn32= (NM_001167681.3); c.-175C>T (NM_001271010.2); c.-26C>T (NM_001271012.2).
Identifiers: ClinVar variation 720450 (VCV000720450.20), dbSNP rs186120614, ClinGen allele CA6356951.
Genomic context (GRCh38, chr11:128,758,291, plus strand): 5'-CCACAAGATCAACCCCCTCCCACCACAGCAGGAGTGGATCAATCAGCCAGTGAGGGTCAA[C>T]GTCAAGCGGGAGTATGACCACATGAATGGATCCAGGTAAGCTCACCAGGCCTGTGCAGGA-3'
Protein context (NP_002008.2, residues 55-75): QEWINQPVRV[Asn65=]VKREYDHMNG